The following is an entry in ClinVar:

ClinVar aggregate classification (germline): Uncertain significance. Review status: criteria provided, multiple submitters, no conflicts (2 of 4 stars). 3 submissions from 3 submitters: Uncertain significance (3). Last evaluated 2026-05-28.

Conditions:
Primary ciliary dyskinesia. Also called: Ciliary dyskinesia. Identifiers: Orphanet 244, MedGen C0008780, MONDO:0016575, HP:0012265.
RPGR-related disorder. Also called: RPGR-related condition.

Allele frequency attached by ClinVar (database versions not stated): TOPMed 0.00001; gnomAD exomes 0.00002.
gnomAD v4.1: 24 of 1,211,359 alleles (0.002%); highest among the groups gnomAD compares: South Asian, 0.0053%; no homozygotes.

Submissions (3):

PreventionGenetics, part of Exact Sciences
Classification: Uncertain significance for RPGR-related condition. Last evaluated: 2026-05-28. Review status: criteria provided, single submitter. Criteria: ACMG Guidelines, 2015. Collection method: clinical testing. Allele origin: germline.
Comment: The RPGR c.3397G>A variant is predicted to result in the amino acid substitution p.Gly1133Arg. To our knowledge, this variant has not been reported in the literature or in a large population database (gnomAD), indicating this variant is rare. At this time, the clinical significance of this variant is uncertain due to the absence of conclusive functional and genetic evidence.

Labcorp Genetics (formerly Invitae), Labcorp
Classification: Uncertain significance for Primary ciliary dyskinesia. Last evaluated: 2024-01-21. Review status: criteria provided, single submitter. Criteria: Invitae Variant Classification Sherloc (09022015). Collection method: clinical testing. Allele origin: germline.
Comment: This sequence change replaces glycine, which is neutral and non-polar, with arginine, which is basic and polar, at codon 1133 of the RPGR (ORF15) protein (p.Gly1133Arg). This variant is not present in population databases (gnomAD no frequency). This variant has not been reported in the literature in individuals affected with RPGR (ORF15)-related conditions. Advanced modeling of protein sequence and biophysical properties (such as structural, functional, and spatial information, amino acid conservation, physicochemical variation, residue mobility, and thermodynamic stability) performed at Invitae indicates that this missense variant is not expected to disrupt RPGR (ORF15) protein function with a negative predictive value of 95%. In summary, the available evidence is currently insufficient to determine the role of this variant in disease. Therefore, it has been classified as a Variant of Uncertain Significance.

Blueprint Genetics
Classification: Uncertain significance. Last evaluated: 2022-01-29. Review status: criteria provided, single submitter. Criteria: ACMG Guidelines, 2015. Collection method: clinical testing. Allele origin: germline.

NM_001034853.2(RPGR):c.3397G>A (p.Gly1133Arg)

Gene: RPGR (retinitis pigmentosa GTPase regulator; minus strand). Cytogenetic location: Xp11.4.
Variant type: single nucleotide variant.
Coding change: c.3397G>A on transcript NM_001034853.2 (MANE Select); coding-DNA position 3397, G replaced by A.
Protein change: p.Gly1133Arg; replaces glycine 1133 with arginine.
Molecular consequence: missense variant. On other transcripts: intron variant (8).
Genome position (GRCh38, 1-based): chrX:38,285,602, C>T on the plus strand (G>A on the coding strand, the complement: RPGR is on the minus strand). VCF-style: chrX-38285602-C-T. GRCh37 (hg19) VCF-style: chrX-38144855-C-T.
Other names: c.3397G>A (NM_001034853.1); c.1569+5357G>A (NM_001367249.1, NM_001367250.1); c.1902+1492G>A (NM_001367245.1); c.1386+5357G>A (NM_001367251.1); c.1719+1492G>A (NM_001367246.1); c.1572+5357G>A (NM_001367247.1); c.1905+1492G>A (NM_000328.3); c.1602+5357G>A (NM_001367248.1); short protein forms G1133R.
Identifiers: ClinVar variation 2886454 (VCV002886454.5), dbSNP rs749648072, ClinGen allele CA327914342.
Genomic context (GRCh38, chrX:38,285,602, plus strand): 5'-ACTTCAATTCCAAGTAATGTGGTAATACATTATTCCAGAACTTTTTGGAACCTGATGGCC[C>T]GTTTTTTAAAAGTCGTTTTGACTGGACTGGCATTTTGGACCTCTGCTCTTTCCCATTTCC-3'
Protein context (NP_001030025.1, residues 1123-1143): PVQSKRLLKN[Gly1133Arg]PSGSKKFWNN